The following is an entry in ClinVar:

NM_015512.5(DNAH1):c.9505C>T (p.Arg3169Cys)

Gene: DNAH1 (dynein axonemal heavy chain 1; plus strand). Cytogenetic location: 3p21.1.
Variant type: single nucleotide variant.
Coding change: c.9505C>T on transcript NM_015512.5 (MANE Select); coding-DNA position 9505, C replaced by T.
Protein change: p.Arg3169Cys; replaces arginine 3169 with cysteine.
Molecular consequence: missense variant.
Genome position (GRCh38, 1-based): chr3:52,389,470, C>T. VCF-style: chr3-52389470-C-T. GRCh37 (hg19) VCF-style: chr3-52423486-C-T.
Other names: short protein forms R3169C.
Identifiers: ClinVar variation 1514080 (VCV001514080.6), dbSNP rs185305129, ClinGen allele CA2435557.

ClinVar aggregate classification (germline): Uncertain significance (1 of 4 stars; one submission).

Conditions:
Spermatogenic failure 18. Identifiers: MedGen C4539783, MONDO:0054615, OMIM 617576.
Ciliary dyskinesia, primary, 37 (CILD37). Also called: CILIARY DYSKINESIA, PRIMARY, 37, WITH OR WITHOUT SITUS INVERSUS. Identifiers: MedGen C4539798, MONDO:0033204, OMIM 617577.

Allele frequency attached by ClinVar (database versions not stated): 1000 Genomes Project 30x 0.00016; 1000 Genomes Project 0.00020.
gnomAD v4.1: 28 of 1,610,678 alleles (0.0017%); highest among the groups gnomAD compares: Admixed American, 0.0034%; no homozygotes.

Submission:

Labcorp Genetics (formerly Invitae), Labcorp
Classification: Uncertain significance for Ciliary dyskinesia, primary, 37; Spermatogenic failure 18. Last evaluated: 2021-11-01. Review status: criteria provided, single submitter. Criteria: Invitae Variant Classification Sherloc (09022015). Collection method: clinical testing. Allele origin: germline.
Comment: This sequence change replaces arginine, which is basic and polar, with cysteine, which is neutral and slightly polar, at codon 3169 of the DNAH1 protein (p.Arg3169Cys). The frequency data for this variant in the population databases is considered unreliable, as metrics indicate poor data quality at this position in the gnomAD database. This variant has not been reported in the literature in individuals affected with DNAH1-related conditions. Algorithms developed to predict the effect of missense changes on protein structure and function are either unavailable or do not agree on the potential impact of this missense change (SIFT: "Deleterious"; PolyPhen-2: "Probably Damaging"; Align-GVGD: "Class C0"). In summary, the available evidence is currently insufficient to determine the role of this variant in disease. Therefore, it has been classified as a Variant of Uncertain Significance.